The following is an entry in ClinVar:

ClinVar aggregate classification (germline): Conflicting classifications of pathogenicity. Review status: criteria provided, conflicting classifications (1 of 4 stars). 7 submissions from 6 submitters: Likely pathogenic (1); Uncertain significance (5). 1 of the submissions does not count toward it. Last evaluated 2024-11-02.

Conditions:
COL11A2-related disorder. Also called: COL11A2-related condition; COL11A2-related disorders.
Fibrochondrogenesis 2 (FBCG2). Identifiers: Orphanet 2021, MedGen C3281128, MONDO:0013795, OMIM 614524.
Otospondylomegaepiphyseal dysplasia, autosomal recessive (OSMEDB). Also called: Insley-Astley syndrome; CHONDRODYSTROPHY WITH SENSORINEURAL DEAFNESS. Identifiers: Orphanet 1427, MedGen CN034493, MONDO:0044206, OMIM 215150.

Allele frequency attached by ClinVar (database versions not stated): gnomAD 0.00001; gnomAD exomes 0.00001.
gnomAD v4.1: 34 of 1,448,746 alleles (0.0023%); highest among the groups gnomAD compares: South Asian, 0.0068%; no homozygotes.

Submissions (7):

Labcorp Genetics (formerly Invitae), Labcorp
Classification: Uncertain significance. Last evaluated: 2024-11-02. Review status: criteria provided, single submitter. Criteria: Invitae Variant Classification Sherloc (09022015). Collection method: clinical testing. Allele origin: germline.
Comment: This sequence change replaces arginine, which is basic and polar, with tryptophan, which is neutral and slightly polar, at codon 1284 of the COL11A2 protein (p.Arg1284Trp). The frequency data for this variant in the population databases is considered unreliable, as metrics indicate poor data quality at this position in the gnomAD database. This missense change has been observed in individual(s) with COL11A2-related conditions (PMID: 37880672). ClinVar contains an entry for this variant (Variation ID: 356388). Experimental studies and prediction algorithms are not available or were not evaluated, and the functional significance of this variant is currently unknown. In summary, the available evidence is currently insufficient to determine the role of this variant in disease. Therefore, it has been classified as a Variant of Uncertain Significance.

Women's Health and Genetics/Laboratory Corporation of America, LabCorp
Classification: Uncertain significance. Last evaluated: 2024-08-05. Review status: criteria provided, single submitter. Criteria: LabCorp Variant Classification Summary - May 2015. Collection method: clinical testing. Allele origin: germline.
Comment: Variant summary: COL11A2 c.3850C>T (p.Arg1284Trp) results in a non-conservative amino acid change in the encoded protein sequence. Five of five in-silico tools predict a damaging effect of the variant on protein function. Consensus agreement among computation tools predict no significant impact on normal splicing. However, these predictions have yet to be confirmed by functional studies. The variant allele was found at a frequency of 8.2e-06 in 243670 control chromosomes. c.3850C>T has been reported in the literature in at least one heterozygous individual affected with fibrochondrogenesis, reported as a de novo occurrence (e.g. Qin_2023). To our knowledge, no experimental evidence demonstrating an impact on protein function has been reported. The following publication has been ascertained in the context of this evaluation (PMID: 37880672). ClinVar contains an entry for this variant (Variation ID: 356388). Based on the evidence outlined above, the variant was classified as VUS-possibly pathogenic.

GeneDx
Classification: Uncertain significance. Last evaluated: 2024-04-10. Review status: criteria provided, single submitter. Criteria: GeneDx Variant Classification Process June 2021. Collection method: clinical testing. Allele origin: germline. Affected: yes.
Comment: De novo variant with confirmed parentage in a patient reported to have short limbs prenatally, with limited clinical information provided (PMID: 37880672); Not observed at significant frequency in large population cohorts (gnomAD); In silico analysis supports that this missense variant has a deleterious effect on protein structure/function; This variant is associated with the following publications: (PMID: 37880672)

Medical Genetics Center, Maternal and Child Health Hospital of Hubei Province
Classification: Likely pathogenic for Fibrochondrogenesis 2. Last evaluated: 2022-03-14. Review status: criteria provided, single submitter. Criteria: ACMG Guidelines, 2015. Collection method: clinical testing. Allele origin: de novo. Affected: yes.

Illumina Laboratory Services, Illumina
Classification: Uncertain significance for Fibrochondrogenesis 2. Last evaluated: 2018-01-13. Review status: criteria provided, single submitter. Criteria: ICSL Variant Classification Criteria 13 December 2019. Collection method: clinical testing. Allele origin: germline.

Illumina Laboratory Services, Illumina
Classification: Uncertain significance for Otospondylomegaepiphyseal dysplasia, autosomal recessive. Last evaluated: 2018-01-13. Review status: criteria provided, single submitter. Criteria: ICSL Variant Classification Criteria 13 December 2019. Collection method: clinical testing. Allele origin: germline.

PreventionGenetics, part of Exact Sciences
Classification: Uncertain significance for COL11A2-related condition. Last evaluated: 2024-08-19. Review status: no assertion criteria provided. Collection method: clinical testing. Allele origin: germline. Not counted in ClinVar's aggregate classification.
Comment: The COL11A2 c.3850C>T variant is predicted to result in the amino acid substitution p.Arg1284Trp. This variant was reported as occurring de novo in an individual with short limbs based on prenatal ultrasound (Qin et al. 2023. PubMed ID: 37880672). This variant is reported in 0.0033% of alleles in individuals of South Asian descent in gnomAD v2.1.1 and is present in 34 alleles in the larger gnomAD v4.1.0 dataset. At this time, the clinical significance of this variant is uncertain due to the absence of conclusive functional and genetic evidence.

Literature cited by the submitters: PubMed 37880672 (cited by Labcorp Genetics (formerly Invitae), Labcorp and Women's Health and Genetics/Laboratory Corporation of America, LabCorp).

NM_080680.3(COL11A2):c.3850C>T (p.Arg1284Trp)

Gene: COL11A2 (collagen type XI alpha 2 chain; minus strand). Cytogenetic location: 6p21.32.
Variant type: single nucleotide variant.
Coding change: c.3850C>T on transcript NM_080680.3 (MANE Select); coding-DNA position 3850, C replaced by T.
Protein change: p.Arg1284Trp; replaces arginine 1284 with tryptophan.
Molecular consequence: missense variant.
Genome position (GRCh38, 1-based): chr6:33,168,957, G>A on the plus strand (C>T on the coding strand, the complement: COL11A2 is on the minus strand). VCF-style: chr6-33168957-G-A. GRCh37 (hg19) VCF-style: chr6-33136734-G-A.
Other names: c.3529C>T, p.Arg1177Trp (NM_080679.3); c.3592C>T, p.Arg1198Trp (NM_080681.3); short protein forms R1284W, R1177W, R1198W.
Identifiers: ClinVar variation 356388 (VCV000356388.16), dbSNP rs886061315, ClinGen allele CA10626652.